The following is an entry in ClinVar:

ClinVar aggregate classification (germline): Benign (0 of 4 stars; one submission).

Conditions:
PMFBP1-related disorder. Also called: PMFBP1-related condition.

Allele frequency attached by ClinVar (database versions not stated): ESP Exome Variant Server 0.06333; TOPMed 0.07077; gnomAD 0.07341; 1000 Genomes Project 30x 0.08448; 1000 Genomes Project 0.08586; ExAC 0.08980; gnomAD exomes 0.09396.
gnomAD v4.1: 148,161 of 1,614,036 alleles (9.2%); highest among the groups gnomAD compares: East Asian, 15%; 7,281 homozygotes.

Submission:

PreventionGenetics, part of Exact Sciences
Classification: Benign for PMFBP1-related condition. Last evaluated: 2020-01-14. Review status: no assertion criteria provided. Collection method: clinical testing. Allele origin: germline.
Comment: This variant is classified as benign based on ACMG/AMP sequence variant interpretation guidelines (Richards et al. 2015 PMID: 25741868, with internal and published modifications).

NM_031293.3(PMFBP1):c.514G>A (p.Ala172Thr)

Gene: PMFBP1 (polyamine modulated factor 1 binding protein 1; minus strand). Cytogenetic location: 16q22.2.
Variant type: single nucleotide variant.
Coding change: c.514G>A on transcript NM_031293.3 (MANE Select); coding-DNA position 514, G replaced by A.
Protein change: p.Ala172Thr; replaces alanine 172 with threonine.
Molecular consequence: missense variant.
Genome position (GRCh38, 1-based): chr16:72,150,730, C>T on the plus strand (G>A on the coding strand, the complement: PMFBP1 is on the minus strand). VCF-style: chr16-72150730-C-T. GRCh37 (hg19) VCF-style: chr16-72184629-C-T.
Other names: c.79G>A, p.Ala27Thr (NM_001160213.2); short protein forms A172T, A27T.
Identifiers: ClinVar variation 3060170 (VCV003060170.2), dbSNP rs217180, ClinGen allele CA8161983.